The following is an entry in ClinVar:

NM_001039141.3(TRIOBP):c.3806A>G (p.Glu1269Gly)

Gene: TRIOBP (TRIO and F-actin binding protein; plus strand). Cytogenetic location: 22q13.1.
Variant type: single nucleotide variant.
Coding change: c.3806A>G on transcript NM_001039141.3 (MANE Select); coding-DNA position 3806, A replaced by G.
Protein change: p.Glu1269Gly; replaces glutamic acid 1269 with glycine.
Molecular consequence: missense variant.
Genome position (GRCh38, 1-based): chr22:37,726,362, A>G. VCF-style: chr22-37726362-A-G. GRCh37 (hg19) VCF-style: chr22-38122369-A-G.
Other names: short protein forms E1269G.
Identifiers: ClinVar variation 4532401 (VCV004532401.1).

ClinVar aggregate classification (germline): Uncertain significance (1 of 4 stars; one submission).

Submission:

GeneDx
Classification: Uncertain significance. Last evaluated: 2025-05-27. Review status: criteria provided, single submitter. Criteria: GeneDx Variant Classification Process June 2021. Collection method: clinical testing. Allele origin: germline. Affected: yes.
Comment: Not observed at significant frequency in large population cohorts (gnomAD); In silico analysis supports that this missense variant has a deleterious effect on protein structure/function; Has not been previously published as pathogenic or benign to our knowledge